The following is an entry in ClinVar:

ClinVar aggregate classification (germline): Uncertain significance (1 of 4 stars; one submission).

Allele frequency attached by ClinVar (database versions not stated): gnomAD 0.00003; TOPMed 0.00004.
gnomAD v4.1: 17 of 1,612,794 alleles (0.0011%); highest among the groups gnomAD compares: African/African-American, 0.0013%; no homozygotes.

Submission:

Labcorp Genetics (formerly Invitae), Labcorp
Classification: Uncertain significance. Last evaluated: 2025-02-24. Review status: criteria provided, single submitter. Criteria: Invitae Variant Classification Sherloc (09022015). Collection method: clinical testing. Allele origin: germline.
Comment: This sequence change replaces arginine, which is basic and polar, with tryptophan, which is neutral and slightly polar, at codon 256 of the AQP5 protein (p.Arg256Trp). This variant is present in population databases (no rsID available, gnomAD 0.003%). This variant has not been reported in the literature in individuals affected with AQP5-related conditions. ClinVar contains an entry for this variant (Variation ID: 2420916). An algorithm developed to predict the effect of missense changes on protein structure and function (PolyPhen-2) suggests that this variant is likely to be disruptive. In summary, the available evidence is currently insufficient to determine the role of this variant in disease. Therefore, it has been classified as a Variant of Uncertain Significance.

NM_001651.4(AQP5):c.766C>T (p.Arg256Trp)

Gene: AQP5 (aquaporin 5; plus strand). Cytogenetic location: 12q13.12.
Variant type: single nucleotide variant.
Coding change: c.766C>T on transcript NM_001651.4 (MANE Select); coding-DNA position 766, C replaced by T.
Protein change: p.Arg256Trp; replaces arginine 256 with tryptophan.
Molecular consequence: missense variant.
Genome position (GRCh38, 1-based): chr12:49,965,145, C>T. VCF-style: chr12-49965145-C-T. GRCh37 (hg19) VCF-style: chr12-50358928-C-T.
Other names: short protein forms R256W.
Identifiers: ClinVar variation 2420916 (VCV002420916.6), dbSNP rs748231984, ClinGen allele CA236695208.